The following is an entry in ClinVar:

ClinVar aggregate classification (germline): Pathogenic (1 of 4 stars; one submission).

Submission:

Labcorp Genetics (formerly Invitae), Labcorp
Classification: Pathogenic. Last evaluated: 2024-04-09. Review status: criteria provided, single submitter. Criteria: Invitae Variant Classification Sherloc (09022015). Collection method: clinical testing. Allele origin: germline.
Comment: This sequence change creates a premature translational stop signal (p.Ser1564Thrfs*7) in the MYO5B gene. It is expected to result in an absent or disrupted protein product. Loss-of-function variants in MYO5B are known to be pathogenic (PMID: 18724368, 20186687). This variant is not present in population databases (gnomAD no frequency). This variant has not been reported in the literature in individuals affected with MYO5B-related conditions. For these reasons, this variant has been classified as Pathogenic.

Literature cited by the submitters: PubMed 18724368; PubMed 20186687.

NM_001080467.3(MYO5B):c.4691del (p.Ser1564fs)

Genes: MYO5B (myosin VB; minus strand), SNHG22 (small nucleolar RNA host gene 22; plus strand). Cytogenetic location: 18q21.1.
Variant type: Deletion.
Coding change: c.4691del on transcript NM_001080467.3 (MANE Select); coding-DNA position 4691, one base deleted (G; older notation c.4691delG).
Protein change: p.Ser1564fs; shifts the reading frame from serine 1564.
Molecular consequence: frameshift variant.
Genome position (GRCh38, 1-based): chr18:49,841,375, C deleted on the plus strand (G on the coding strand, the reverse complement: MYO5B is on the minus strand). VCF-style (leftmost placement, unchanged base first): chr18-49841374-GC-G. GRCh37 (hg19) VCF-style: chr18-47367744-GC-G.
Other names: short protein forms S1564fs.
Identifiers: ClinVar variation 3648041 (VCV003648041.2).